The following is an entry in ClinVar:

ClinVar aggregate classification (germline): Uncertain significance. Review status: criteria provided, multiple submitters, no conflicts (2 of 4 stars). 2 submissions from 2 submitters: Uncertain significance (2). Last evaluated 2024-02-24.

Conditions:
Inborn genetic diseases. Identifiers: MedGen C0950123, MeSH D030342.

Allele frequency attached by ClinVar (database versions not stated): gnomAD 0.00001 and 0.00003; TOPMed 0.00001; 1000 Genomes Project 30x 0.00016; 1000 Genomes Project 0.00020.
gnomAD v4.1: 111 of 1,613,866 alleles (0.0069%); highest among the groups gnomAD compares: East Asian, 0.25%; no homozygotes.

Submissions (2):

Labcorp Genetics (formerly Invitae), Labcorp
Classification: Uncertain significance. Last evaluated: 2024-02-24. Review status: criteria provided, single submitter. Criteria: Invitae Variant Classification Sherloc (09022015). Collection method: clinical testing. Allele origin: germline.
Comment: This sequence change replaces glutamine, which is neutral and polar, with proline, which is neutral and non-polar, at codon 207 of the CEP135 protein (p.Gln207Pro). This variant is present in population databases (rs138715248, gnomAD 0.02%). This variant has not been reported in the literature in individuals affected with CEP135-related conditions. ClinVar contains an entry for this variant (Variation ID: 1432592). An algorithm developed to predict the effect of missense changes on protein structure and function (PolyPhen-2) suggests that this variant¬†is likely to be tolerated. In summary, the available evidence is currently insufficient to determine the role of this variant in disease. Therefore, it has been classified as a Variant of Uncertain Significance.

Ambry Genetics
Classification: Uncertain significance for Inborn genetic diseases. Last evaluated: 2023-10-10. Review status: criteria provided, single submitter. Criteria: Ambry Variant Classification Scheme 2023. Collection method: clinical testing. Allele origin: germline.

NM_025009.5(CEP135):c.620A>C (p.Gln207Pro)

Gene: CEP135 (centrosomal protein 135; plus strand). Cytogenetic location: 4q12.
Variant type: single nucleotide variant.
Coding change: c.620A>C on transcript NM_025009.5 (MANE Select); coding-DNA position 620, A replaced by C.
Protein change: p.Gln207Pro; replaces glutamine 207 with proline.
Molecular consequence: missense variant.
Genome position (GRCh38, 1-based): chr4:55,959,687, A>C. VCF-style: chr4-55959687-A-C. GRCh37 (hg19) VCF-style: chr4-56825853-A-C.
Other names: c.620A>C (NM_025009.3); short protein forms Q207P.
Identifiers: ClinVar variation 1432592 (VCV001432592.6), dbSNP rs138715248, ClinGen allele CA2927614.